The following is an entry in ClinVar:

NM_000038.6(APC):c.21T>C (p.Asp7=)

Gene: APC (APC regulator of Wnt signaling pathway; plus strand). Cytogenetic location: 5q22.2.
Variant type: single nucleotide variant.
Coding change: c.21T>C on transcript NM_000038.6 (MANE Select); coding-DNA position 21, T replaced by C.
Protein change: p.Asp7=; no amino-acid change (aspartic acid 7 retained).
Molecular consequence: synonymous variant. On other transcripts: 5 prime UTR variant (4), non-coding transcript variant (2), intron variant (11).
Genome position (GRCh38, 1-based): chr5:112,754,911, T>C. VCF-style: chr5-112754911-T-C. GRCh37 (hg19) VCF-style: chr5-112090608-T-C.
Other names: c.21T>C, p.Asp7= (NM_001127510.3, NM_001354895.2, NM_001354896.2 and 16 more transcripts); c.-1015T>C (NM_001354906.2, NM_001407470.1, NM_001407471.1 and 1 more transcripts); c.166-11415T>C (NM_001407446.1, NM_001354897.2, NM_001354902.2 and 1 more transcripts); c.-42-11415T>C (NM_001407453.1, NM_001354900.2, NM_001354901.2 and 1 more transcripts); c.61-11415T>C (NM_001407451.1, NM_001354898.2, NM_001354904.2).
Identifiers: ClinVar variation 1692596 (VCV001692596.8), dbSNP rs2149737434, ClinGen allele CA445752306.

ClinVar aggregate classification (germline): Conflicting classifications of pathogenicity. Review status: criteria provided, conflicting classifications (1 of 4 stars). 4 submissions from 4 submitters: Uncertain significance (1); Benign (1); Likely benign (2). Last evaluated 2024-02-22.

Conditions:
Hereditary cancer-predisposing syndrome. Also called: Hereditary Cancer Syndrome; Hereditary neoplastic syndrome; Neoplastic Syndromes, Hereditary; Tumor predisposition. Identifiers: Orphanet 140162, MedGen C0027672, MeSH D009386, MONDO:0015356.
Familial adenomatous polyposis 1 (FAP1). Also called: FAMILIAL ADENOMATOUS POLYPOSIS 1, ATTENUATED; POLYPOSIS, ADENOMATOUS INTESTINAL. Identifiers: MedGen C2713442, MONDO:0021056, OMIM 175100. Disease mechanism: loss of function.

Submissions (4):

Myriad Genetics, Inc.
Classification: Benign for Familial adenomatous polyposis 1. Last evaluated: 2024-02-22. Review status: criteria provided, single submitter. Criteria: Myriad Autosomal Dominant, Autosomal Recessive and X-Linked Classification Criteria (2023). Collection method: clinical testing. Allele origin: unknown.
Comment: This variant is considered benign. This variant is a silent/synonymous amino acid change and it is not expected to impact splicing.

Labcorp Genetics (formerly Invitae), Labcorp
Classification: Likely benign for Familial adenomatous polyposis 1. Last evaluated: 2022-08-12. Review status: criteria provided, single submitter. Criteria: Invitae Variant Classification Sherloc (09022015). Collection method: clinical testing. Allele origin: germline.

Sema4
Classification: Uncertain significance for Hereditary cancer-predisposing syndrome. Last evaluated: 2021-12-21. Review status: criteria provided, single submitter. Criteria: Sema4 Curation Guidelines. Collection method: curation. Allele origin: germline.
Comment: The APC c.21T>C (p.D7=) variant has not been reported in the literature to our knowledge. It was not observed in the large and broad cohorts of the Genome Aggregation Database (PMID: 32461654). This variant has not been reported in ClinVar. The nucleotide is moderately conserved across species. In silico tools suggest the variant does not impact splicing, though these predictions have not been confirmed by functional studies. There is no indication that this variant causes disease. The evidence is insufficient to meet ACMG/AMP criteria for classifying the variant as benign or pathogenic. Thus, the clinical significance of this variant is currently uncertain.

Ambry Genetics
Classification: Likely benign for Hereditary cancer-predisposing syndrome. Last evaluated: 2019-09-18. Review status: criteria provided, single submitter. Criteria: Ambry Variant Classification Scheme 2023. Collection method: clinical testing. Allele origin: germline.